The following is an entry in ClinVar:

NM_024339.5(THOC6):c.188_194del (p.Glu63fs)

Gene: THOC6 (THO complex subunit 6; plus strand). Cytogenetic location: 16p13.3.
Variant type: Deletion.
Coding change: c.188_194del on transcript NM_024339.5 (MANE Select); coding-DNA positions 188 to 194, 7 bases deleted (AGGAAAG; older notation c.188_194delAGGAAAG).
Protein change: p.Glu63fs; shifts the reading frame from glutamic acid 63.
Molecular consequence: frameshift variant.
Genome position (GRCh38, 1-based): chr16:3,025,956-3,025,962, AGGAAAG deleted; deleting any 7 consecutive bases within chr16:3,025,952-3,025,962 gives the same sequence; the c. name uses the placement nearest the transcript's 3' end. VCF-style (leftmost placement, unchanged base first): chr16-3025951-CAAAGAGG-C. GRCh37 (hg19) VCF-style: chr16-3075952-CAAAGAGG-C.
Other names: c.188_194del, p.Glu63fs (NM_001142350.3, NM_001347704.2); c.116_122del, p.Glu39fs (NM_001347703.2); short protein forms E63fs, E39fs.
Identifiers: ClinVar variation 5005568 (VCV005005568.2).

ClinVar aggregate classification (germline): Likely pathogenic (1 of 4 stars; one submission).

Conditions:
THOC6-related developmental delay-microcephaly-facial dysmorphism syndrome. Also called: THOC6 Intellectual Disability Syndrome; Microcephaly, mental retardation, and distinctive facies, with cardiac and genitourinary malformations; Beaulieu-Boycott-Innes syndrome. Identifiers: Orphanet 363444, MedGen C3150939, MONDO:0013362, OMIM 613680.

Submission:

Juno Genomics, Hangzhou Juno Genomics, Inc
Classification: Likely pathogenic for THOC6-related developmental delay-microcephaly-facial dysmorphism syndrome. Review status: criteria provided, single submitter. Criteria: ACMG Guidelines, 2015. Collection method: clinical testing. Allele origin: germline.
Comment: Null variant in a gene where loss of function (LOF) is a known mechanism of disease.;Absent from controls (or at extremely low frequency if recessive) in Genome Aggregation Database.